The following is an entry in ClinVar:

NM_000059.4(BRCA2):c.5100_5102del (p.Gln1701del)

Gene: BRCA2 (BRCA2 DNA repair associated; plus strand). Cytogenetic location: 13q13.1.
Variant type: Deletion.
Coding change: c.5100_5102del on transcript NM_000059.4 (MANE Select); coding-DNA positions 5100 to 5102, 3 bases deleted (TCA; older notation c.5100_5102delTCA).
Protein change: p.Gln1701del; deletes glutamine 1701.
Molecular consequence: inframe deletion. On other transcripts: non-coding transcript variant (1), intron variant (2).
Genome position (GRCh38, 1-based): chr13:32,339,455-32,339,457, TCA deleted. VCF-style (leftmost placement, unchanged base first): chr13-32339454-GTCA-G. GRCh37 (hg19) VCF-style: chr13-32913591-GTCA-G.
Other names: c.5100_5102del, p.Gln1701del (NM_001406719.1, NM_001406720.1); c.1910-5103_1910-5101del (NM_001406721.1); c.425-5103_425-5101del (NM_001406722.1); short protein forms Q1701del.
Identifiers: ClinVar variation 3072828 (VCV003072828.1), dbSNP rs2548530027, ClinGen allele CA2825002152.

ClinVar aggregate classification (germline): Uncertain significance (1 of 4 stars; one submission).

Conditions:
Breast-ovarian cancer, familial, susceptibility to, 2 (BROVCA2). Also called: BRCA2 Hereditary Breast and Ovarian Cancer. Identifiers: Orphanet 145, MedGen C2675520, MONDO:0012933, OMIM 612555. Disease mechanism: loss of function.

Submission:

All of Us Research Program, National Institutes of Health
Classification: Uncertain significance for Breast-ovarian cancer, familial, susceptibility to, 2. Last evaluated: 2023-08-15. Review status: criteria provided, single submitter. Criteria: ACMG Guidelines, 2015. Collection method: clinical testing. Allele origin: germline. Inheritance: Autosomal dominant inheritance. Observed: 1 variant allele, 1 heterozygote.
Comment: This study involves interpretation of variants in research participants for the purpose of population health screening. Participant phenotype was not available at the time of variant classification. Additional details can be found in publication PMID: 35346344, PMCID: PMC8962531